The following is an entry in ClinVar:

ClinVar aggregate classification (germline): Uncertain significance (1 of 4 stars; one submission).

Conditions:
Hereditary cancer-predisposing syndrome. Also called: Hereditary Cancer Syndrome; Hereditary neoplastic syndrome; Neoplastic Syndromes, Hereditary; Tumor predisposition. Identifiers: Orphanet 140162, MedGen C0027672, MeSH D009386, MONDO:0015356.

Submission:

Ambry Genetics
Classification: Uncertain significance for Hereditary cancer-predisposing syndrome. Last evaluated: 2021-02-10. Review status: criteria provided, single submitter. Criteria: Ambry Variant Classification Scheme 2023. Collection method: clinical testing. Allele origin: germline.
Comment: The p.E1422G variant (also known as c.4265A>G), located in coding exon 22 of the DICER1 gene, results from an A to G substitution at nucleotide position 4265. The glutamic acid at codon 1422 is replaced by glycine, an amino acid with similar properties. This amino acid position is not well conserved in available vertebrate species. In addition, this alteration is predicted to be tolerated by in silico analysis. Since supporting evidence is limited at this time, the clinical significance of this alteration remains unclear.

NM_177438.3(DICER1):c.4265A>G (p.Glu1422Gly)

Gene: DICER1 (dicer 1, ribonuclease III; minus strand). Cytogenetic location: 14q32.13.
Variant type: single nucleotide variant.
Coding change: c.4265A>G on transcript NM_177438.3 (MANE Select); coding-DNA position 4265, A replaced by G.
Protein change: p.Glu1422Gly; replaces glutamic acid 1422 with glycine.
Molecular consequence: missense variant. On other transcripts: non-coding transcript variant (6).
Genome position (GRCh38, 1-based): chr14:95,096,655, T>C on the plus strand (A>G on the coding strand, the complement: DICER1 is on the minus strand). VCF-style: chr14-95096655-T-C. GRCh37 (hg19) VCF-style: chr14-95562992-T-C.
Other names: c.3860A>G, p.Glu1287Gly (NM_001395689.1, NM_001395690.1, NM_001395696.1 and 2 more transcripts); c.3698A>G, p.Glu1233Gly (NM_001395691.1); c.4265A>G, p.Glu1422Gly (NM_001395692.1, NM_001395693.1, NM_001395694.1 and 13 more transcripts); c.2582A>G, p.Glu861Gly (NM_001395697.1); c.3983A>G, p.Glu1328Gly (NM_001395686.1); short protein forms E1233G, E1422G, E861G, E1287G, E1328G.
Identifiers: ClinVar variation 1739197 (VCV001739197.2), dbSNP rs1890377342, ClinGen allele CA390869635.
Genomic context (GRCh38, chr14:95,096,655, plus strand): 5'-AAATCATCTTCATAGTCAGCCTCTTCCTTCGGAGCCCTCCACATCAGGCTCTCCTCCTCC[T>C]CATCCTCCTCCTCGTAATCCTCATCCAGTTTGCCATTCGCCAGCATGCAGTCTTTTGTCT-3'
Protein context (NP_803187.1, residues 1412-1432): KLDEDYEEED[Glu1422Gly]EEESLMWRAP